The following is an entry in ClinVar:

ClinVar aggregate classification (germline): Uncertain significance (1 of 4 stars; one submission).

Conditions:
Peripheral neuropathy-myopathy-hoarseness-hearing loss syndrome. Identifiers: Orphanet 397744, MedGen C3280556, MONDO:0013711, OMIM 614369.

Submission:

Laboratório de Neurologia Aplicada e Experimental, Faculdade de Medicina de Ribeirao Preto – Universidade de Sao Paulo
Classification: Uncertain significance for Peripheral neuropathy-myopathy-hoarseness-hearing loss syndrome. Last evaluated: 2021-07-20. Review status: criteria provided, single submitter. Criteria: ACMG Guidelines, 2015. Collection method: research. Allele origin: germline. Inheritance: Autosomal dominant inheritance. Affected: yes. Observed: 1 variant allele, 1 heterozygote.
Comment: The c.5824G>A (p.Glu1942Lys) variant in the MYH14 gene has not been described in the literature to our knowledge. This variant replaces Glutamic acid with Lysine at codon 1942 of the MYH14 protein, which is not very conserved in different species. This variant is not present in population databases (GnomAD and ABraOM), suggesting it is not a common benign variant in these populations. In summary, the available evidence is insufficient to determine the clinical significance of this variant. Therefore, it has been classified as a variant of uncertain significance (VUS).

NM_001145809.2(MYH14):c.5848G>A (p.Glu1950Lys)

Gene: MYH14 (myosin heavy chain 14; plus strand). Cytogenetic location: 19q13.33.
Variant type: single nucleotide variant.
Coding change: c.5848G>A on transcript NM_001145809.2 (MANE Select); coding-DNA position 5848, G replaced by A.
Protein change: p.Glu1950Lys; replaces glutamic acid 1950 with lysine.
Molecular consequence: missense variant.
Genome position (GRCh38, 1-based): chr19:50,309,065, G>A. VCF-style: chr19-50309065-G-A. GRCh37 (hg19) VCF-style: chr19-50812322-G-A.
Other names: chr19-50309065-G-A; p.Glu1942Lys; p.Glu1950Lys; c.5749G>A, p.Glu1917Lys (NM_001077186.2); c.5725G>A, p.Glu1909Lys (NM_024729.4); short protein forms E1909K, E1917K, E1950K.
Identifiers: ClinVar variation 1299687 (VCV001299687.1), dbSNP rs774096368, ClinGen allele CA406965633.